The following is an entry in ClinVar:

NM_024079.5(ALG8):c.1540G>A (p.Val514Ile)

Gene: ALG8 (ALG8 alpha-1,3-glucosyltransferase; minus strand). Cytogenetic location: 11q14.1.
Variant type: single nucleotide variant.
Coding change: c.1540G>A on transcript NM_024079.5 (MANE Select); coding-DNA position 1540, G replaced by A.
Protein change: p.Val514Ile; replaces valine 514 with isoleucine.
Molecular consequence: missense variant. On other transcripts: 3 prime UTR variant (1).
Genome position (GRCh38, 1-based): chr11:78,101,005, C>T on the plus strand (G>A on the coding strand, the complement: ALG8 is on the minus strand). VCF-style: chr11-78101005-C-T. GRCh37 (hg19) VCF-style: chr11-77812051-C-T.
Other names: c.*211G>A (NM_001007027.3, NM_001425236.1, NM_001425237.1 and 1 more transcripts); c.1543G>A, p.Val515Ile (NM_001425219.1); c.1525G>A, p.Val509Ile (NM_001425220.1); c.1465G>A, p.Val489Ile (NM_001425221.1); c.1564G>A, p.Val522Ile (NM_001425222.1); c.1534G>A, p.Val512Ile (NM_001425223.1); c.1633G>A, p.Val545Ile (NM_001425224.1); c.1588G>A, p.Val530Ile (NM_001425225.1); and 14 more; short protein forms V350I, V427I, V457I, V329I, V342I, V386I, V405I, V426I.
Identifiers: ClinVar variation 2804776 (VCV002804776.3), dbSNP rs2496885318, ClinGen allele CA382109290.

ClinVar aggregate classification (germline): Uncertain significance (1 of 4 stars; one submission).

Conditions:
ALG8 congenital disorder of glycosylation. Also called: CONGENITAL DISORDER OF GLYCOSYLATION, TYPE Ih; CDG Ih; ALG8-CDG. Identifiers: Orphanet 79325, MedGen C2931002, MONDO:0011969, OMIM 608104.

Allele frequency attached by ClinVar (database versions not stated): gnomAD exomes below 0.00001.
gnomAD v4.1: 2 of 1,614,178 alleles (0.00012%); highest among the groups gnomAD compares: African/African-American, 0.0013%; no homozygotes.

Submission:

Labcorp Genetics (formerly Invitae), Labcorp
Classification: Uncertain significance for ALG8 congenital disorder of glycosylation. Last evaluated: 2023-12-05. Review status: criteria provided, single submitter. Criteria: Invitae Variant Classification Sherloc (09022015). Collection method: clinical testing. Allele origin: germline.
Comment: This sequence change replaces valine, which is neutral and non-polar, with isoleucine, which is neutral and non-polar, at codon 514 of the ALG8 protein (p.Val514Ile). This variant is not present in population databases (gnomAD no frequency). This variant has not been reported in the literature in individuals affected with ALG8-related conditions. Advanced modeling of protein sequence and biophysical properties (such as structural, functional, and spatial information, amino acid conservation, physicochemical variation, residue mobility, and thermodynamic stability) performed at Invitae indicates that this missense variant is not expected to disrupt ALG8 protein function with a negative predictive value of 80%. In summary, the available evidence is currently insufficient to determine the role of this variant in disease. Therefore, it has been classified as a Variant of Uncertain Significance.